The following is an entry in ClinVar:

ClinVar aggregate classification (germline): Benign/Likely benign. Review status: criteria provided, multiple submitters, no conflicts (2 of 4 stars). 6 submissions from 6 submitters: Benign (5); Likely benign (1). Last evaluated 2026-02-03.

Conditions:
Primary ciliary dyskinesia. Also called: Ciliary dyskinesia. Identifiers: Orphanet 244, MedGen C0008780, MONDO:0016575, HP:0012265.
Primary ciliary dyskinesia 6. Also called: Primary Ciliary Dyskinesia 6: TXNDC3-Related Primary Ciliary Dyskinesia. Identifiers: Orphanet 244, MedGen C1970506, MONDO:0012571, OMIM 610852.

Allele frequency attached by ClinVar (database versions not stated): 1000 Genomes Project 30x 0.06480; 1000 Genomes Project 0.06629; ESP Exome Variant Server 0.08221; TOPMed 0.08676; gnomAD 0.08740 and 0.08754; ExAC 0.09478; gnomAD exomes 0.09732 and 0.10888.
gnomAD v4.1: 171,783 of 1,608,500 alleles (11%); highest among the groups gnomAD compares: Middle Eastern, 15%; 9,847 homozygotes.

Submissions (6):

Labcorp Genetics (formerly Invitae), Labcorp
Classification: Benign for Primary ciliary dyskinesia 6. Last evaluated: 2026-02-03. Review status: criteria provided, single submitter. Criteria: Invitae Variant Classification Sherloc (09022015). Collection method: clinical testing. Allele origin: germline.

Blueprint Genetics
Classification: Likely benign. Last evaluated: 2024-11-27. Review status: criteria provided, single submitter. Criteria: ACMG Guidelines, 2015. Collection method: clinical testing. Allele origin: germline.

GeneDx
Classification: Benign. Last evaluated: 2021-05-04. Review status: criteria provided, single submitter. Criteria: GeneDx Variant Classification Process June 2021. Collection method: clinical testing. Allele origin: germline. Affected: yes.

Ambry Genetics
Classification: Benign for Primary ciliary dyskinesia. Last evaluated: 2014-12-11. Review status: criteria provided, single submitter. Criteria: Ambry Variant Classification Scheme 2023. Collection method: clinical testing. Allele origin: germline.

Laboratory for Molecular Medicine, Mass General Brigham Personalized Medicine
Classification: Benign. Last evaluated: 2013-02-21. Review status: criteria provided, single submitter. Criteria: LMM Criteria. Collection method: clinical testing. Allele origin: germline. Observed: 11 variant alleles.
Comment: Val73Val in exon 6 of TXNDC3: This variant is not expected to have clinical sign ificance because it does not alter an amino acid residue and is not located with in the splice consensus sequence. It has been identified in 10.9% (940/8598) of European American chromosomes from a broad population by the NHLBI Exome Sequenc ing Project (dbSNP rs3213976).

PreventionGenetics, part of Exact Sciences
Classification: Benign. Review status: criteria provided, single submitter. Criteria: ACMG Guidelines, 2015. Collection method: clinical testing. Allele origin: germline.

NM_016616.5(NME8):c.219G>A (p.Val73=)

Gene: NME8 (NME/NM23 family member 8; plus strand). Cytogenetic location: 7p14.1.
Variant type: single nucleotide variant.
Coding change: c.219G>A on transcript NM_016616.5 (MANE Select); coding-DNA position 219, G replaced by A.
Protein change: p.Val73=; no amino-acid change (valine 73 retained).
Molecular consequence: synonymous variant.
Genome position (GRCh38, 1-based): chr7:37,857,294, G>A. VCF-style: chr7-37857294-G-A. GRCh37 (hg19) VCF-style: chr7-37896896-G-A.
Identifiers: ClinVar variation 164800 (VCV000164800.19), dbSNP rs3213976, ClinGen allele CA177502.
Genomic context (GRCh38, chr7:37,857,294, plus strand): 5'-AGTTTTATTTATTATTATATGAAATGTTTACTTTTTCCAGGCAGAAGCTGACAACATTGT[G>A]ACTTTGCAGCCATTTAGAGATAAATGTGAACCTGTTTTTCTCTTTAGTGTTGTAAGTATA-3'
Protein context (NP_057700.3, residues 63-83): HFAVAEADNI[Val73=]TLQPFRDKCE